The following is an entry in ClinVar:

NM_001375524.1(TRRAP):c.1852G>A (p.Ala618Thr)

Gene: TRRAP (transformation/transcription domain associated protein; plus strand). Cytogenetic location: 7q22.1.
Variant type: single nucleotide variant.
Coding change: c.1852G>A on transcript NM_001375524.1 (MANE Select); coding-DNA position 1852, G replaced by A.
Protein change: p.Ala618Thr; replaces alanine 618 with threonine.
Molecular consequence: missense variant.
Genome position (GRCh38, 1-based): chr7:98,911,116, G>A. VCF-style: chr7-98911116-G-A. GRCh37 (hg19) VCF-style: chr7-98508739-G-A.
Other names: c.1852G>A, p.Ala618Thr (NM_001244580.2, NM_003496.4); short protein forms A618T.
Identifiers: ClinVar variation 2835425 (VCV002835425.3), dbSNP rs2484715951, ClinGen allele CA368287766.

ClinVar aggregate classification (germline): Uncertain significance (1 of 4 stars; one submission).

Submission:

Labcorp Genetics (formerly Invitae), Labcorp
Classification: Uncertain significance. Last evaluated: 2023-02-08. Review status: criteria provided, single submitter. Criteria: Invitae Variant Classification Sherloc (09022015). Collection method: clinical testing. Allele origin: germline.
Comment: In summary, the available evidence is currently insufficient to determine the role of this variant in disease. Therefore, it has been classified as a Variant of Uncertain Significance. Advanced modeling of protein sequence and biophysical properties (such as structural, functional, and spatial information, amino acid conservation, physicochemical variation, residue mobility, and thermodynamic stability) performed at Invitae indicates that this missense variant is not expected to disrupt TRRAP protein function. This variant has not been reported in the literature in individuals affected with TRRAP-related conditions. This variant is not present in population databases (gnomAD no frequency). This sequence change replaces alanine, which is neutral and non-polar, with threonine, which is neutral and polar, at codon 618 of the TRRAP protein (p.Ala618Thr).